The following is an entry in ClinVar:

ClinVar aggregate classification (germline): Uncertain significance (1 of 4 stars; one submission).

Submission:

Labcorp Genetics (formerly Invitae), Labcorp
Classification: Uncertain significance. Last evaluated: 2022-07-09. Review status: criteria provided, single submitter. Criteria: Invitae Variant Classification Sherloc (09022015). Collection method: clinical testing. Allele origin: germline.
Comment: In summary, the available evidence is currently insufficient to determine the role of this variant in disease. Therefore, it has been classified as a Variant of Uncertain Significance. Experimental studies and prediction algorithms are not available or were not evaluated, and the effect of this variant on mRNA splicing is currently unknown. This variant has not been reported in the literature in individuals affected with IL18BP-related conditions. This variant is not present in population databases (gnomAD no frequency). This sequence change falls in intron 3 of the IL18BP gene. It does not directly change the encoded amino acid sequence of the IL18BP protein.

NM_001039660.2(IL18BP):c.360-6C>T

Gene: IL18BP (interleukin 18 binding protein; plus strand). Cytogenetic location: 11q13.4.
Variant type: single nucleotide variant.
Coding change: c.360-6C>T on transcript NM_001039660.2 (MANE Select); 6 bases into the intron before coding-DNA position 360, C replaced by T.
Molecular consequence: intron variant.
Genome position (GRCh38, 1-based): chr11:72,001,399, C>T. VCF-style: chr11-72001399-C-T. GRCh37 (hg19) VCF-style: chr11-71712445-C-T.
Other names: c.360-6C>T (NM_001039659.2, NM_173044.3, NM_005699.3 and 2 more transcripts); c.236-385C>T (NM_001145055.1).
Identifiers: ClinVar variation 2108589 (VCV002108589.4), dbSNP rs2495858622, ClinGen allele CA2580084837.
Genomic context (GRCh38, chr11:72,001,399, plus strand): 5'-AGCCAGGTGGGTGGGAAGGAGGCCTTCTGCGGCCTTCTCATGACCTTTCCTTCCCTTCCG[C>T]TCCAGCCGGGAACGTGGGAGCACAGGTACGCAGCTGTGCAAGGCCTTGGTGCTGGAGCAG-3'